The following is an entry in ClinVar:

NM_014975.3(MAST1):c.3264-6C>G

Gene: MAST1 (microtubule associated serine/threonine kinase 1; plus strand). Cytogenetic location: 19p13.13.
Variant type: single nucleotide variant.
Coding change: c.3264-6C>G on transcript NM_014975.3 (MANE Select); 6 bases into the intron before coding-DNA position 3264, C replaced by G.
Molecular consequence: intron variant.
Genome position (GRCh38, 1-based): chr19:12,873,318, C>G. VCF-style: chr19-12873318-C-G. GRCh37 (hg19) VCF-style: chr19-12984132-C-G.
Identifiers: ClinVar variation 3772583 (VCV003772583.13).

ClinVar aggregate classification (germline): Uncertain significance (1 of 4 stars; one submission).

Submission:

CeGaT Center for Human Genetics Tuebingen
Classification: Uncertain significance. Last evaluated: 2025-02-01. Review status: criteria provided, single submitter. Criteria: CeGaT Center For Human Genetics Tuebingen Variant Classification Criteria Version 2. Collection method: clinical testing. Allele origin: germline. Affected: yes. Observed: 1 variant allele.
Comment: MAST1: PM2